The following is an entry in ClinVar:

ClinVar aggregate classification (germline): Benign. Review status: criteria provided, multiple submitters, no conflicts (2 of 4 stars). 9 submissions from 9 submitters: Benign (7). 2 of the submissions do not count toward it. Last evaluated 2026-02-01.

Conditions:
Autosomal recessive early-onset Parkinson disease 6 (PARK6). Also called: PARKINSON DISEASE 6, EARLY-ONSET; PINK1 Type of Young-Onset Parkinson Disease; PINK1-Related Parkinson Disease; PARKINSON DISEASE 6, MODIFIER OF. Identifiers: Orphanet 2828, MedGen C1853833, MONDO:0011613, OMIM 605909.

Allele frequency attached by ClinVar (database versions not stated): 1000 Genomes Project 0.01478; 1000 Genomes Project 30x 0.01515; TOPMed 0.03259; ESP Exome Variant Server 0.03264; gnomAD 0.03506 and 0.03666.
gnomAD v4.1: 72,575 of 1,582,768 alleles (4.6%); highest among the groups gnomAD compares: Non-Finnish European, 5.5%; 1,905 homozygotes.

Submissions (9):

Labcorp Genetics (formerly Invitae), Labcorp
Classification: Benign for Autosomal recessive early-onset Parkinson disease 6. Last evaluated: 2026-02-01. Review status: criteria provided, single submitter. Criteria: Invitae Variant Classification Sherloc (09022015). Collection method: clinical testing. Allele origin: germline.

Athena Diagnostics
Classification: Benign. Last evaluated: 2025-09-25. Review status: criteria provided, single submitter. Criteria: Athena Diagnostics Criteria. Collection method: clinical testing. Allele origin: unknown.
Comment: The frequency of this variant in the general population is higher than would generally be expected for pathogenic variants in this gene.

ARUP Laboratories, Molecular Genetics and Genomics, ARUP Laboratories
Classification: Benign for Autosomal recessive early-onset Parkinson disease 6. Last evaluated: 2023-11-11. Review status: criteria provided, single submitter. Criteria: ARUP Molecular Germline Variant Investigation Process 2024. Collection method: clinical testing. Allele origin: germline.

Mayo Clinic Laboratories, Mayo Clinic
Classification: Benign. Last evaluated: 2022-03-24. Review status: criteria provided, single submitter. Criteria: ACMG Guidelines, 2015. Collection method: clinical testing. Allele origin: germline. Observed: 49 variant alleles.

GeneDx
Classification: Benign. Last evaluated: 2018-07-09. Review status: criteria provided, single submitter. Criteria: GeneDx Variant Classification Process June 2021. Collection method: clinical testing. Allele origin: germline. Affected: yes.

Illumina Laboratory Services, Illumina
Classification: Benign for Autosomal recessive early-onset Parkinson disease 6. Last evaluated: 2018-01-13. Review status: criteria provided, single submitter. Criteria: ICSL Variant Classification Criteria 13 December 2019. Collection method: clinical testing. Allele origin: germline.
Comment: This variant was observed in the ICSL laboratory as part of a predisposition screen in an ostensibly healthy population. It had not been previously curated by ICSL or reported in the Human Gene Mutation Database (HGMD: prior to June 1st, 2018), and was therefore a candidate for classification through an automated scoring system. Utilizing variant allele frequency, disease prevalence and penetrance estimates, and inheritance mode, an automated score was calculated to assess if this variant is too frequent to cause the disease. Based on the score and internal cut-off values, a variant classified as benign is not then subjected to further curation. The score for this variant resulted in a classification of benign for this disease.

Breakthrough Genomics
Classification: Benign. Review status: criteria provided, single submitter. Criteria: ACMG Guidelines, 2015. Collection method: not provided. Allele origin: germline. Inheritance: Autosomal recessive inheritance. Affected: yes.

Clinical Genetics DNA and cytogenetics Diagnostics Lab, Erasmus MC, Erasmus Medical Center
Classification: Benign. Review status: no assertion criteria provided. Collection method: clinical testing. Allele origin: germline. Affected: yes. Study: VKGL Data-share Consensus. Not counted in ClinVar's aggregate classification.

Genome Diagnostics Laboratory, Amsterdam University Medical Center
Classification: Likely benign. Review status: no assertion criteria provided. Collection method: clinical testing. Allele origin: germline. Affected: yes. Study: VKGL Data-share Consensus. Not counted in ClinVar's aggregate classification.

NM_032409.3(PINK1):c.344A>T (p.Gln115Leu)

Gene: PINK1 (PTEN induced kinase 1; plus strand). Cytogenetic location: 1p36.12.
Variant type: single nucleotide variant.
Coding change: c.344A>T on transcript NM_032409.3 (MANE Select); coding-DNA position 344, A replaced by T.
Protein change: p.Gln115Leu; replaces glutamine 115 with leucine.
Molecular consequence: missense variant.
Genome position (GRCh38, 1-based): chr1:20,633,892, A>T. VCF-style: chr1-20633892-A-T. GRCh37 (hg19) VCF-style: chr1-20960385-A-T.
Other names: short protein forms Q115L.
Identifiers: ClinVar variation 294999 (VCV000294999.28), dbSNP rs148871409, ClinGen allele CA660372.